The following is an entry in ClinVar:

ClinVar aggregate classification (germline): Uncertain significance (1 of 4 stars; one submission).

Conditions:
DYRK1A-related intellectual disability syndrome (MRD7). Also called: DYRK1A Syndrome; Intellectual developmental disorder, autosomal dominant 7. Identifiers: Orphanet 464306, MedGen C5568143, MONDO:0013578, OMIM 614104.

Submission:

Labcorp Genetics (formerly Invitae), Labcorp
Classification: Uncertain significance for DYRK1A-related intellectual disability syndrome. Last evaluated: 2025-05-17. Review status: criteria provided, single submitter. Criteria: Invitae Variant Classification Sherloc (09022015). Collection method: clinical testing. Allele origin: germline.
Comment: This sequence change replaces glutamine, which is neutral and polar, with arginine, which is basic and polar, at codon 78 of the DYRK1A protein (p.Gln78Arg). This variant is not present in population databases (gnomAD no frequency). This variant has not been reported in the literature in individuals affected with DYRK1A-related conditions. Invitae Evidence Modeling of protein sequence and biophysical properties (such as structural, functional, and spatial information, amino acid conservation, physicochemical variation, residue mobility, and thermodynamic stability) indicates that this missense variant is not expected to disrupt DYRK1A protein function with a negative predictive value of 95%. In summary, the available evidence is currently insufficient to determine the role of this variant in disease. Therefore, it has been classified as a Variant of Uncertain Significance.

NM_001347721.2(DYRK1A):c.208-2A>G

Gene: DYRK1A (dual specificity tyrosine phosphorylation regulated kinase 1A; plus strand). Cytogenetic location: 21q22.13.
Variant type: single nucleotide variant.
Coding change: c.208-2A>G on transcript NM_001347721.2 (MANE Select); the canonical splice acceptor site of the intron before coding-DNA position 208, A replaced by G.
Molecular consequence: splice acceptor variant. On other transcripts: missense variant (3).
Genome position (GRCh38, 1-based): chr21:37,478,206, A>G. VCF-style: chr21-37478206-A-G. GRCh37 (hg19) VCF-style: chr21-38850508-A-G.
Other names: c.233A>G, p.Gln78Arg (NM_001396.5, NM_101395.2, NM_130438.2); c.208-2A>G (NM_001347722.2, NM_130436.2); c.121-2A>G (NM_001347723.2); short protein forms Q78R.
Identifiers: ClinVar variation 4744506 (VCV004744506.1).